The following is an entry in ClinVar:

ClinVar aggregate classification (germline): Uncertain significance. Review status: criteria provided, multiple submitters, no conflicts (2 of 4 stars). 3 submissions from 3 submitters: Uncertain significance (3). Last evaluated 2025-12-20.

Conditions:
Hereditary cancer-predisposing syndrome. Also called: Hereditary Cancer Syndrome; Neoplastic Syndromes, Hereditary; Hereditary neoplastic syndrome; Tumor predisposition. Identifiers: Orphanet 140162, MedGen C0027672, MeSH D009386, MONDO:0015356.
Tuberous sclerosis syndrome (TSC). Also called: Tuberous Sclerosis Complex; Tuberous sclerosis. Identifiers: Orphanet 805, MedGen C0041341, MONDO:0001734.
Tuberous sclerosis 1 (TSC1). Identifiers: Orphanet 805, MedGen C1854465, MONDO:0008612, OMIM 191100.

gnomAD v4.1: 2 of 1,614,186 alleles (0.00012%); highest among the groups gnomAD compares: Non-Finnish European, 0.00017%; no homozygotes.

Submissions (3):

Labcorp Genetics (formerly Invitae), Labcorp
Classification: Uncertain significance for Tuberous sclerosis 1. Last evaluated: 2025-12-20. Review status: criteria provided, single submitter. Criteria: Invitae Variant Classification Sherloc (09022015). Collection method: clinical testing. Allele origin: germline.
Comment: This sequence change replaces aspartic acid, which is acidic and polar, with glutamic acid, which is acidic and polar, at codon 932 of the TSC1 protein (p.Asp932Glu). This variant is not present in population databases (gnomAD no frequency). This variant has not been reported in the literature in individuals affected with TSC1-related conditions. ClinVar contains an entry for this variant (Variation ID: 821820). Invitae Evidence Modeling of protein sequence and biophysical properties (such as structural, functional, and spatial information, amino acid conservation, physicochemical variation, residue mobility, and thermodynamic stability) indicates that this missense variant is not expected to disrupt TSC1 protein function with a negative predictive value of 95%. In summary, the available evidence is currently insufficient to determine the role of this variant in disease. Therefore, it has been classified as a Variant of Uncertain Significance.

Ambry Genetics
Classification: Uncertain significance for Hereditary cancer-predisposing syndrome. Last evaluated: 2024-04-01. Review status: criteria provided, single submitter. Criteria: Ambry Variant Classification Scheme 2023. Collection method: clinical testing. Allele origin: germline.
Comment: The p.D932E variant (also known as c.2796T>G), located in coding exon 19 of the TSC1 gene, results from a T to G substitution at nucleotide position 2796. The aspartic acid at codon 932 is replaced by glutamic acid, an amino acid with highly similar properties. This amino acid position is highly conserved in available vertebrate species. In addition, this alteration is predicted to be tolerated by in silico analysis. Since supporting evidence is limited at this time, the clinical significance of this alteration remains unclear.

All of Us Research Program, National Institutes of Health
Classification: Uncertain significance for Tuberous sclerosis syndrome. Last evaluated: 2023-12-18. Review status: criteria provided, single submitter. Criteria: ACMG Guidelines, 2015. Collection method: clinical testing. Allele origin: germline. Inheritance: Autosomal dominant inheritance. Observed: 1 variant allele, 1 heterozygote.
Comment: This missense variant replaces aspartic acid with glutamic acid at codon 932 of the TSC1 protein. Computational prediction suggests that this variant may not impact protein structure and function (internally defined REVEL score threshold <= 0.5, PMID: 27666373). To our knowledge, functional studies have not been reported for this variant. This variant has not been reported in individuals affected with TSC1-related disorders in the literature. This variant has not been identified in the general population by the Genome Aggregation Database (gnomAD). The available evidence is insufficient to determine the role of this variant in disease conclusively. Therefore, this variant is classified as a Variant of Uncertain Significance.

This study involves interpretation of variants in research participants for the purpose of population health screening. Participant phenotype was not available at the time of variant classification. Additional details can be found in publication PMID: 35346344, PMCID: PMC8962531

NM_000368.5(TSC1):c.2796T>G (p.Asp932Glu)

Gene: TSC1 (TSC complex subunit 1; minus strand). Cytogenetic location: 9q34.13.
Variant type: single nucleotide variant.
Coding change: c.2796T>G on transcript NM_000368.5 (MANE Select); coding-DNA position 2796, T replaced by G.
Protein change: p.Asp932Glu; replaces aspartic acid 932 with glutamic acid.
Molecular consequence: missense variant.
Genome position (GRCh38, 1-based): chr9:132,897,440, A>C on the plus strand (T>G on the coding strand, the complement: TSC1 is on the minus strand). VCF-style: chr9-132897440-A-C. GRCh37 (hg19) VCF-style: chr9-135772827-A-C.
Other names: c.2793T>G, p.Asp931Glu (NM_001162426.2); c.2643T>G, p.Asp881Glu (NM_001162427.2); c.2433T>G, p.Asp811Glu (NM_001362177.2); short protein forms D881E, D932E, D931E, D811E.
Identifiers: ClinVar variation 821820 (VCV000821820.11), dbSNP rs766871150, ClinGen allele CA375369047.